The following is an entry in ClinVar:

NM_022356.4(P3H1):c.1086C>T (p.Ala362=)

Gene: P3H1 (prolyl 3-hydroxylase 1; minus strand). Cytogenetic location: 1p34.2.
Variant type: single nucleotide variant.
Coding change: c.1086C>T on transcript NM_022356.4 (MANE Select); coding-DNA position 1086, C replaced by T.
Protein change: p.Ala362=; no amino-acid change (alanine 362 retained).
Molecular consequence: synonymous variant.
Genome position (GRCh38, 1-based): chr1:42,755,632, G>A on the plus strand (C>T on the coding strand, the complement: P3H1 is on the minus strand). VCF-style: chr1-42755632-G-A. GRCh37 (hg19) VCF-style: chr1-43221303-G-A.
Other names: c.1086C>T, p.Ala362= (NM_001146289.2, NM_001243246.2).
Identifiers: ClinVar variation 876580 (VCV000876580.21), dbSNP rs777090883, ClinGen allele CA21244131.
Genomic context (GRCh38, chr1:42,755,632, plus strand): 5'-AACATCATAAGCGAAGAAAAGCAGTTCTTTTTCCAGTAGGCTTCGCTGTCGGTACTCCTT[G>A]GCACTCTGAGGGTAAAAAAGCAAACAAATCCCCCAGAACTCAGCCCTGTCTTTTAACCTC-3'
Protein context (NP_071751.3, residues 352-372): HTRSIGPRES[Ala362=]KEYRQRSLLE

ClinVar aggregate classification (germline): Conflicting classifications of pathogenicity. Review status: criteria provided, conflicting classifications (1 of 4 stars). 5 submissions from 5 submitters: Uncertain significance (1); Likely benign (4). Last evaluated 2025-12-17.

Conditions:
P3H1-related disorder. Also called: P3H1-related condition.
Osteogenesis Imperfecta, Recessive.
Osteogenesis imperfecta type 8 (OI8). Identifiers: MedGen C1970458, MONDO:0012581, OMIM 610915.

Allele frequency attached by ClinVar (database versions not stated): gnomAD 0.00001; TOPMed 0.00004.
gnomAD v4.1: 116 of 1,612,866 alleles (0.0072%); highest among the groups gnomAD compares: Non-Finnish European, 0.0098%; no homozygotes.

Submissions (5):

Labcorp Genetics (formerly Invitae), Labcorp
Classification: Likely benign for Osteogenesis imperfecta type 8. Last evaluated: 2025-12-17. Review status: criteria provided, single submitter. Criteria: Invitae Variant Classification Sherloc (09022015). Collection method: clinical testing. Allele origin: germline.

PreventionGenetics, part of Exact Sciences
Classification: Likely benign for P3H1-related condition. Last evaluated: 2024-11-04. Review status: criteria provided, single submitter. Criteria: ACMG Guidelines, 2015. Collection method: clinical testing. Allele origin: germline.
Comment: This variant is classified as likely benign based on ACMG/AMP sequence variant interpretation guidelines (Richards et al. 2015 PMID: 25741868, with internal and published modifications).

Blueprint Genetics
Classification: Likely benign. Last evaluated: 2024-06-05. Review status: criteria provided, single submitter. Criteria: ACMG Guidelines, 2015. Collection method: clinical testing. Allele origin: germline.

ARUP Laboratories, Molecular Genetics and Genomics, ARUP Laboratories
Classification: Likely benign for Osteogenesis imperfecta type 8. Last evaluated: 2020-01-16. Review status: criteria provided, single submitter. Criteria: ARUP Molecular Germline Variant Investigation Process. Collection method: clinical testing. Allele origin: germline.

Illumina Laboratory Services, Illumina
Classification: Uncertain significance for Osteogenesis Imperfecta, Recessive. Last evaluated: 2017-04-27. Review status: criteria provided, single submitter. Criteria: ICSL Variant Classification Criteria 13 December 2019. Collection method: clinical testing. Allele origin: germline.